The following is an entry in ClinVar:

NM_001130438.3(SPTAN1):c.4133T>C (p.Leu1378Pro)

Gene: SPTAN1 (spectrin alpha, non-erythrocytic 1; plus strand). Cytogenetic location: 9q34.11.
Variant type: single nucleotide variant.
Coding change: c.4133T>C on transcript NM_001130438.3 (MANE Select); coding-DNA position 4133, T replaced by C.
Protein change: p.Leu1378Pro; replaces leucine 1378 with proline.
Molecular consequence: missense variant.
Genome position (GRCh38, 1-based): chr9:128,607,690, T>C. VCF-style: chr9-128607690-T-C. GRCh37 (hg19) VCF-style: chr9-131369969-T-C.
Other names: c.4073T>C, p.Leu1358Pro (NM_001195532.2, NM_001363765.2); c.4133T>C, p.Leu1378Pro (NM_001363759.2, NM_003127.4); short protein forms L1378P, L1358P.
Identifiers: ClinVar variation 461224 (VCV000461224.16), dbSNP rs776728710, ClinGen allele CA5265113.

ClinVar aggregate classification (germline): Uncertain significance. Review status: criteria provided, multiple submitters, no conflicts (2 of 4 stars). 5 submissions from 5 submitters: Uncertain significance (5). Last evaluated 2022-09-22.

Conditions:
Inborn genetic diseases. Identifiers: MedGen C0950123, MeSH D030342.
Developmental and epileptic encephalopathy, 5 (DEE5). Identifiers: Orphanet 3451, MedGen C3150731, MONDO:0013277, OMIM 613477.
Early-infantile DEE. Also called: Early infantile epileptic encephalopathy with suppression bursts; Early infantile epileptic encephalopathy; Ohtahara syndrome. Identifiers: Orphanet 1934, MedGen C0393706, MONDO:0800491.

Allele frequency attached by ClinVar (database versions not stated): gnomAD exomes below 0.00001 and 0.00001; ExAC 0.00001; gnomAD 0.00001.
gnomAD v4.1: 5 of 1,613,942 alleles (0.00031%); highest among the groups gnomAD compares: Non-Finnish European, 0.00042%; no homozygotes.

Submissions (5):

Ambry Genetics
Classification: Uncertain significance for Inborn genetic diseases. Last evaluated: 2022-09-22. Review status: criteria provided, single submitter. Criteria: Ambry Variant Classification Scheme 2023. Collection method: clinical testing. Allele origin: germline.

Genome-Nilou Lab
Classification: Uncertain significance for Developmental and epileptic encephalopathy, 5. Last evaluated: 2021-07-15. Review status: criteria provided, single submitter. Criteria: ACMG Guidelines, 2015. Collection method: clinical testing. Allele origin: germline. Affected: no.

Baylor Genetics
Classification: Uncertain significance for Developmental and epileptic encephalopathy, 5. Last evaluated: 2020-03-05. Review status: criteria provided, single submitter. Criteria: ACMG Guidelines, 2015. Collection method: clinical testing. Allele origin: unknown. Affected: yes.
Comment: This variant was determined to be of uncertain significance according to ACMG Guidelines, 2015 [PMID:25741868].

GeneDx
Classification: Uncertain significance. Last evaluated: 2019-12-16. Review status: criteria provided, single submitter. Criteria: GeneDx Variant Classification Process June 2021. Collection method: clinical testing. Allele origin: germline. Affected: yes.
Comment: In silico analysis, which includes protein predictors and evolutionary conservation, supports a deleterious effect; Has not been previously published as pathogenic or benign to our knowledge

Labcorp Genetics (formerly Invitae), Labcorp
Classification: Uncertain significance for Early-infantile DEE. Last evaluated: 2017-02-25. Review status: criteria provided, single submitter. Criteria: Invitae Variant Classification Sherloc (09022015). Collection method: clinical testing. Allele origin: germline.
Comment: In summary, this variant is a rare missense change with uncertain impact on protein function. There is no indication that it causes disease, but the available evidence is currently insufficient to prove that conclusively. Therefore, it has been classified as a Variant of Uncertain Significance. Algorithms developed to predict the effect of missense changes on protein structure and function (SIFT, PolyPhen-2, Align-GVGD) all suggest that this variant is likely to be disruptive, but these predictions have not been confirmed by published functional studies. This variant is present in population databases (rs776728710, ExAC 0.001%) but has not been reported in the literature in individuals with an SPTAN1-related disease. This sequence change replaces leucine with proline at codon 1378 of the SPTAN1 protein (p.Leu1378Pro). The leucine residue is highly conserved and there is a moderate physicochemical difference between leucine and proline.